The following is an entry in ClinVar:

ClinVar aggregate classification (germline): Benign. Review status: criteria provided, multiple submitters, no conflicts (2 of 4 stars). 5 submissions from 5 submitters: Benign (4). 1 of the submissions does not count toward it. Last evaluated 2026-01-28.

Conditions:
Basal cell carcinoma, susceptibility to, 1. Also called: BCC1. Identifiers: MedGen C2751544, MONDO:0011556, OMIM 605462.
Gorlin syndrome. Also called: Basal cell nevus syndrome; Nevoid Basal Cell Carcinoma Syndrome. Identifiers: Orphanet 377, MedGen C0004779, MONDO:0007187.
Medulloblastoma (MDB). Also called: MEDULLOBLASTOMA PREDISPOSITION SYNDROME; Medulloblastoma, somatic. Identifiers: Orphanet 616, MedGen C0025149, MeSH D008527, MONDO:0007959, OMIM 155255, HP:0002885.
PTCH2-related disorder. Also called: PTCH2-related condition; PTCH2-related disease.

Allele frequency attached by ClinVar (database versions not stated): ESP Exome Variant Server 0.00038; gnomAD 0.00406 and 0.00416; ExAC 0.00525; TOPMed 0.00667; gnomAD exomes 0.00715; 1000 Genomes Project 0.00899; 1000 Genomes Project 30x 0.00984.

Submissions (5):

Labcorp Genetics (formerly Invitae), Labcorp
Classification: Benign for Gorlin syndrome. Last evaluated: 2026-01-28. Review status: criteria provided, single submitter. Criteria: Invitae Variant Classification Sherloc (09022015). Collection method: clinical testing. Allele origin: germline.

Fulgent Genetics
Classification: Benign for Basal cell nevus syndrome 1; Medulloblastoma; Basal cell carcinoma, susceptibility to, 1. Last evaluated: 2022-01-04. Review status: criteria provided, single submitter. Criteria: ACMG Guidelines, 2015. Collection method: clinical testing. Allele origin: unknown.

GeneDx
Classification: Benign. Last evaluated: 2019-04-24. Review status: criteria provided, single submitter. Criteria: GeneDx Variant Classification Process June 2021. Collection method: clinical testing. Allele origin: germline. Affected: yes.

Breakthrough Genomics
Classification: Benign. Review status: criteria provided, single submitter. Criteria: ACMG Guidelines, 2015. Collection method: not provided. Allele origin: germline. Inheritance: Autosomal recessive inheritance. Affected: yes.

PreventionGenetics, part of Exact Sciences
Classification: Benign for PTCH2-related condition. Last evaluated: 2019-04-17. Review status: no assertion criteria provided. Collection method: clinical testing. Allele origin: germline. Not counted in ClinVar's aggregate classification.
Comment: This variant is classified as benign based on ACMG/AMP sequence variant interpretation guidelines (Richards et al. 2015 PMID: 25741868, with internal and published modifications).

NM_003738.5(PTCH2):c.2565C>T (p.Leu855=)

Gene: PTCH2 (patched 2; minus strand). Cytogenetic location: 1p34.1.
Variant type: single nucleotide variant.
Coding change: c.2565C>T on transcript NM_003738.5 (MANE Select); coding-DNA position 2565, C replaced by T.
Protein change: p.Leu855=; no amino-acid change (leucine 855 retained).
Molecular consequence: synonymous variant.
Genome position (GRCh38, 1-based): chr1:44,827,032, G>A on the plus strand (C>T on the coding strand, the complement: PTCH2 is on the minus strand). VCF-style: chr1-44827032-G-A. GRCh37 (hg19) VCF-style: chr1-45292704-G-A.
Other names: c.2565C>T, p.Leu855= (NM_001166292.2).
Identifiers: ClinVar variation 239558 (VCV000239558.17), dbSNP rs34245589, ClinGen allele CA822963.
Genomic context (GRCh38, chr1:44,827,032, plus strand): 5'-CTGTGAGGCTGCCAGACCCAGGGGGTCACTGCTCACCCACACGGTCAGCCCCATGTAGAA[G>A]AGCTCGGGTGGAATCAGTCCCTCTCTGTCCACCAGCTTCCTTGTGGTCAGCTGCAGAGGC-3'
Protein context (NP_003729.3, residues 845-865): VDREGLIPPE[Leu855=]FYMGLTVWVS